The following is an entry in ClinVar:

ClinVar aggregate classification (germline): Uncertain significance (1 of 4 stars; one submission).

gnomAD v4.1: 1 of 1,585,658 alleles (0.000063%); highest among the groups gnomAD compares: Non-Finnish European, 0.000086%; no homozygotes.

Submission:

GeneDx
Classification: Uncertain significance. Last evaluated: 2023-07-29. Review status: criteria provided, single submitter. Criteria: GeneDx Variant Classification Process June 2021. Collection method: clinical testing. Allele origin: germline. Affected: yes.
Comment: Not observed at significant frequency in large population cohorts (gnomAD); In silico analysis supports that this missense variant has a deleterious effect on protein structure/function; Has not been previously published as pathogenic or benign to our knowledge

NM_001105206.3(LAMA4):c.163G>A (p.Val55Met)

Genes: LAMA4 (laminin subunit alpha 4; minus strand), LAMA4-AS1 (LAMA4 antisense RNA 1; plus strand). Cytogenetic location: 6q21.
Variant type: single nucleotide variant.
Coding change: c.163G>A on transcript NM_001105206.3 (MANE Select); coding-DNA position 163, G replaced by A.
Protein change: p.Val55Met; replaces valine 55 with methionine.
Molecular consequence: missense variant.
Genome position (GRCh38, 1-based): chr6:112,253,988, C>T on the plus strand (G>A on the coding strand, the complement: LAMA4 is on the minus strand). VCF-style: chr6-112253988-C-T. GRCh37 (hg19) VCF-style: chr6-112575190-C-T.
Other names: c.163G>A, p.Val55Met (NM_001105207.3, NM_001105208.3, NM_001105209.3 and 1 more transcripts); short protein forms V55M.
Identifiers: ClinVar variation 3361400 (VCV003361400.1).
Genomic context (GRCh38, chr6:112,253,988, plus strand): 5'-CAGGGTGGCAATGGCAGGGACACTGTACCTCGGCCGCAGGCGGCAGGCGTCCCAGAGCCA[C>T]GCGGGGTTCGCTCGTCTCAGGCGGGTCTTGCCTGCCAACCGCTGAGCTCCCTTCAATGTC-3'
Protein context (NP_001098676.2, residues 45-65): QDPPETSEPR[Val55Met]ALGRLPPAAE